The following is an entry in ClinVar:

NM_000388.4(CASR):c.2968A>G (p.Arg990Gly)

Gene: CASR (calcium sensing receptor; plus strand). Cytogenetic location: 3q21.1.
Variant type: single nucleotide variant.
Coding change: c.2968A>G on transcript NM_000388.4 (MANE Select); coding-DNA position 2968, A replaced by G.
Protein change: p.Arg990Gly; replaces arginine 990 with glycine.
Molecular consequence: missense variant.
Genome position (GRCh38, 1-based): chr3:122,284,922, A>G. VCF-style: chr3-122284922-A-G. GRCh37 (hg19) VCF-style: chr3-122003769-A-G.
Other names: c.2998A>G, p.Arg1000Gly (NM_001178065.2); short protein forms R990G, R1000G.
Identifiers: ClinVar variation 198071 (VCV000198071.26), dbSNP rs1042636, ClinGen allele CA203219.

ClinVar aggregate classification (germline): Benign/Likely benign. Review status: criteria provided, multiple submitters, no conflicts (2 of 4 stars). 14 submissions from 11 submitters: Benign (13); Likely benign (1). Last evaluated 2026-02-04.

Conditions:
Nephrolithiasis/nephrocalcinosis. Identifiers: MedGen CN580796.
Autosomal dominant hypocalcemia 1 (HYPOC1). Also called: HYPOCALCEMIA, FAMILIAL. Identifiers: MedGen C3715128, MONDO:0011013, OMIM 601198.
Familial hypocalciuric hypercalcemia (FHH). Also called: Familial benign hypercalcemia. Identifiers: Orphanet 405, MedGen C1809471, MONDO:0018458.
Familial hypocalciuric hypercalcemia 1. Also called: Hypercalcemia, familial benign type 1. Identifiers: Orphanet 405, Orphanet 93372, MedGen C0342637, MONDO:0007791, OMIM 145980.
Neonatal severe primary hyperparathyroidism. Identifiers: Orphanet 417, MedGen C1832615, MONDO:0009397, OMIM 239200.
Familial hypoparathyroidism. Also called: Familial isolated hypoparathyroidism. Identifiers: Orphanet 2238, MedGen C1832648, MONDO:0016390.

Allele frequency attached by ClinVar (database versions not stated): ESP Exome Variant Server 0.06289; gnomAD 0.08688 and 0.09829; TOPMed 0.10029; gnomAD exomes 0.10220 and 0.15094; ExAC 0.14514; 1000 Genomes Project 30x 0.19878; 1000 Genomes Project 0.20647.
gnomAD v4.1: 165,230 of 1,614,046 alleles (10%); highest among the groups gnomAD compares: East Asian, 54%; 15,462 homozygotes.

Submissions (14):

Labcorp Genetics (formerly Invitae), Labcorp
Classification: Benign for Familial hypocalciuric hypercalcemia; Autosomal dominant hypocalcemia 1. Last evaluated: 2026-02-04. Review status: criteria provided, single submitter. Criteria: Invitae Variant Classification Sherloc (09022015). Collection method: clinical testing. Allele origin: germline.

Mayo Clinic Laboratories, Mayo Clinic
Classification: Likely benign. Last evaluated: 2025-09-24. Review status: criteria provided, single submitter. Criteria: ACMG Guidelines, 2015. Collection method: clinical testing. Allele origin: germline. Observed: 210 variant alleles.

Blueprint Genetics
Classification: Benign. Last evaluated: 2024-11-26. Review status: criteria provided, single submitter. Criteria: ACMG Guidelines, 2015. Collection method: clinical testing. Allele origin: germline.

Mendelics
Classification: Benign for Familial hypocalciuric hypercalcemia 1. Last evaluated: 2019-05-28. Review status: criteria provided, single submitter. Criteria: Mendelics Assertion Criteria 2017. Collection method: clinical testing. Allele origin: unknown.

Ambry Genetics
Classification: Benign for Nephrolithiasis/nephrocalcinosis. Last evaluated: 2018-09-12. Review status: criteria provided, single submitter. Criteria: Ambry Variant Classification Scheme 2023. Collection method: clinical testing. Allele origin: germline.

Illumina Laboratory Services, Illumina
Classification: Benign for Familial isolated hypoparathyroidism. Last evaluated: 2017-04-27. Review status: criteria provided, single submitter. Criteria: ICSL Variant Classification Criteria 13 December 2019. Collection method: clinical testing. Allele origin: germline.
Comment: This variant was observed as part of a predisposition screen in an ostensibly healthy population. A literature search was performed for the gene, cDNA change, and amino acid change (where applicable). Publications were found based on this search. The evidence from the literature, in combination with allele frequency data from public databases where available, was sufficient to rule this variant out of causing disease. Therefore, this variant is classified as benign.

Illumina Laboratory Services, Illumina
Classification: Benign for Neonatal severe primary hyperparathyroidism. Last evaluated: 2017-04-27. Review status: criteria provided, single submitter. Criteria: ICSL Variant Classification Criteria 13 December 2019. Collection method: clinical testing. Allele origin: germline.
Comment: This variant was observed as part of a predisposition screen in an ostensibly healthy population. A literature search was performed for the gene, cDNA change, and amino acid change (where applicable). No publications were found based on this search. Allele frequency data from public databases was too high to be consistent with this variant causing disease. Therefore, this variant is classified as benign.

Illumina Laboratory Services, Illumina
Classification: Benign for Familial hypocalciuric hypercalcemia 1. Last evaluated: 2017-04-27. Review status: criteria provided, single submitter. Criteria: ICSL Variant Classification Criteria 13 December 2019. Collection method: clinical testing. Allele origin: germline.
Comment: the same text as in the submission from Illumina Laboratory Services, Illumina above.

Illumina Laboratory Services, Illumina
Classification: Benign for Autosomal dominant hypocalcemia 1. Last evaluated: 2017-04-27. Review status: criteria provided, single submitter. Criteria: ICSL Variant Classification Criteria 13 December 2019. Collection method: clinical testing. Allele origin: germline.
Comment: the same text as in the submission from Illumina Laboratory Services, Illumina above.

GeneDx
Classification: Benign. Last evaluated: 2015-07-14. Review status: criteria provided, single submitter. Criteria: GeneDx Variant Classification (06012015). Collection method: clinical testing. Allele origin: germline. Affected: yes.
Comment: This variant is considered likely benign or benign based on one or more of the following criteria: it is a conservative change, it occurs at a poorly conserved position in the protein, it is predicted to be benign by multiple in silico algorithms, and/or has population frequency not consistent with disease.

Eurofins Ntd Llc (ga)
Classification: Benign. Last evaluated: 2015-01-21. Review status: criteria provided, single submitter. Criteria: EGL Classification Definitions 2015. Collection method: clinical testing. Allele origin: germline. Observed: 2 variant alleles, 2 heterozygotes.

Athena Diagnostics
Classification: Benign. Last evaluated: 2012-07-10. Review status: criteria provided, single submitter. Criteria: Athena Diagnostics Criteria. Collection method: clinical testing. Allele origin: germline.

Breakthrough Genomics
Classification: Benign. Review status: criteria provided, single submitter. Criteria: ACMG Guidelines, 2015. Collection method: not provided. Allele origin: germline. Inheritance: Autosomal recessive inheritance. Affected: yes.

PreventionGenetics, part of Exact Sciences
Classification: Benign. Review status: criteria provided, single submitter. Criteria: ACMG Guidelines, 2015. Collection method: clinical testing. Allele origin: germline.

Literature cited by the submitters: PubMed 15598778 (cited by Illumina Laboratory Services, Illumina); PubMed 1706284 (cited by Illumina Laboratory Services, Illumina).